The following is an entry in ClinVar:

ClinVar aggregate classification (germline): Uncertain significance (1 of 4 stars; one submission).

Allele frequency attached by ClinVar (database versions not stated): gnomAD 0.00001 and 0.00002; gnomAD exomes 0.00002; ExAC 0.00003; TOPMed 0.00003.

Submission:

Labcorp Genetics (formerly Invitae), Labcorp
Classification: Uncertain significance. Last evaluated: 2022-07-25. Review status: criteria provided, single submitter. Criteria: Invitae Variant Classification Sherloc (09022015). Collection method: clinical testing. Allele origin: germline.
Comment: This sequence change replaces arginine, which is basic and polar, with histidine, which is basic and polar, at codon 656 of the STT3A protein (p.Arg656His). This variant is present in population databases (rs752231793, gnomAD 0.007%). This variant has not been reported in the literature in individuals affected with STT3A-related conditions. ClinVar contains an entry for this variant (Variation ID: 660400). Algorithms developed to predict the effect of missense changes on protein structure and function (SIFT, PolyPhen-2, Align-GVGD) all suggest that this variant is likely to be tolerated. In summary, the available evidence is currently insufficient to determine the role of this variant in disease. Therefore, it has been classified as a Variant of Uncertain Significance.

NM_152713.5(STT3A):c.1967G>A (p.Arg656His)

Gene: STT3A (STT3 oligosaccharyltransferase complex catalytic subunit A; plus strand). Cytogenetic location: 11q24.2.
Variant type: single nucleotide variant.
Coding change: c.1967G>A on transcript NM_152713.5 (MANE Select); coding-DNA position 1967, G replaced by A.
Protein change: p.Arg656His; replaces arginine 656 with histidine.
Molecular consequence: missense variant.
Genome position (GRCh38, 1-based): chr11:125,620,014, G>A. VCF-style: chr11-125620014-G-A. GRCh37 (hg19) VCF-style: chr11-125489909-G-A.
Other names: c.1967G>A, p.Arg656His (NM_001278503.2); c.1691G>A, p.Arg564His (NM_001278504.2); short protein forms R656H, R564H.
Identifiers: ClinVar variation 660400 (VCV000660400.8), dbSNP rs752231793, ClinGen allele CA6349199.